The following is an entry in ClinVar:

ClinVar aggregate classification (germline): Uncertain significance. Review status: criteria provided, multiple submitters, no conflicts (2 of 4 stars). 3 submissions from 3 submitters: Uncertain significance (3). Last evaluated 2024-12-16.

Conditions:
Charcot-Marie-Tooth disease axonal type 2C (HMSN2C). Also called: CHARCOT-MARIE-TOOTH DISEASE, AXONAL, AUTOSOMAL DOMINANT, TYPE 2C; Charcot-Marie-Tooth Neuropathy Type 2C; Charcot-Marie-Tooth Disease Type 2, TRPV4-Related (CMT2C). Identifiers: Orphanet 99937, MedGen C1853710, MONDO:0011633, OMIM 606071.

Allele frequency attached by ClinVar (database versions not stated): TOPMed 0.00001.
gnomAD v4.1: 4 of 1,613,902 alleles (0.00025%); highest among the groups gnomAD compares: African/African-American, 0.0013%; no homozygotes.

Submissions (3):

Labcorp Genetics (formerly Invitae), Labcorp
Classification: Uncertain significance for Charcot-Marie-Tooth disease axonal type 2C. Last evaluated: 2024-12-16. Review status: criteria provided, single submitter. Criteria: Invitae Variant Classification Sherloc (09022015). Collection method: clinical testing. Allele origin: germline.
Comment: This sequence change replaces valine, which is neutral and non-polar, with leucine, which is neutral and non-polar, at codon 764 of the TRPV4 protein (p.Val764Leu). This variant is not present in population databases (gnomAD no frequency). This variant has not been reported in the literature in individuals affected with TRPV4-related conditions. ClinVar contains an entry for this variant (Variation ID: 652573). Invitae Evidence Modeling of protein sequence and biophysical properties (such as structural, functional, and spatial information, amino acid conservation, physicochemical variation, residue mobility, and thermodynamic stability) has been performed for this missense variant. However, the output from this modeling did not meet the statistical confidence thresholds required to predict the impact of this variant on TRPV4 protein function. In summary, the available evidence is currently insufficient to determine the role of this variant in disease. Therefore, it has been classified as a Variant of Uncertain Significance.

Blueprint Genetics
Classification: Uncertain significance. Last evaluated: 2023-08-16. Review status: criteria provided, single submitter. Criteria: ACMG Guidelines, 2015. Collection method: clinical testing. Allele origin: germline.

GeneDx
Classification: Uncertain significance. Last evaluated: 2023-05-31. Review status: criteria provided, single submitter. Criteria: GeneDx Variant Classification Process June 2021. Collection method: clinical testing. Allele origin: germline. Affected: yes.
Comment: Not observed at significant frequency in large population cohorts (gnomAD); In silico analysis supports that this missense variant has a deleterious effect on protein structure/function; Has not been previously published as pathogenic or benign to our knowledge

NM_021625.5(TRPV4):c.2290G>T (p.Val764Leu)

Gene: TRPV4 (transient receptor potential cation channel subfamily V member 4; minus strand). Cytogenetic location: 12q24.11.
Variant type: single nucleotide variant.
Coding change: c.2290G>T on transcript NM_021625.5 (MANE Select); coding-DNA position 2290, G replaced by T.
Protein change: p.Val764Leu; replaces valine 764 with leucine.
Molecular consequence: missense variant.
Genome position (GRCh38, 1-based): chr12:109,786,756, C>A on the plus strand (G>T on the coding strand, the complement: TRPV4 is on the minus strand). VCF-style: chr12-109786756-C-A. GRCh37 (hg19) VCF-style: chr12-110224561-C-A.
Other names: c.2149G>T, p.Val717Leu (NM_001177428.2); c.2188G>T, p.Val730Leu (NM_001177431.2); c.1969G>T, p.Val657Leu (NM_001177433.2); c.2110G>T, p.Val704Leu (NM_147204.3); short protein forms V657L, V704L, V717L, V730L, V764L.
Identifiers: ClinVar variation 652573 (VCV000652573.7), dbSNP rs750416252, ClinGen allele CA386649334.